The following is an entry in ClinVar:

NM_015450.3(POT1):c.815G>A (p.Gly272Asp)

Gene: POT1 (protection of telomeres 1; minus strand). Cytogenetic location: 7q31.33.
Variant type: single nucleotide variant.
Coding change: c.815G>A on transcript NM_015450.3 (MANE Select); coding-DNA position 815, G replaced by A.
Protein change: p.Gly272Asp; replaces glycine 272 with aspartic acid.
Molecular consequence: missense variant. On other transcripts: non-coding transcript variant (3).
Genome position (GRCh38, 1-based): chr7:124,853,026, C>T on the plus strand (G>A on the coding strand, the complement: POT1 is on the minus strand). VCF-style: chr7-124853026-C-T. GRCh37 (hg19) VCF-style: chr7-124493080-C-T.
Other names: c.422G>A, p.Gly141Asp (NM_001042594.2); short protein forms G141D, G272D.
Identifiers: ClinVar variation 3655501 (VCV003655501.2).

ClinVar aggregate classification (germline): Uncertain significance (1 of 4 stars; one submission).

Conditions:
Tumor predisposition syndrome 3 (TPDS3). Also called: Melanoma, cutaneous malignant, susceptibility to, 10; Glioma susceptibility 9; LONG TELOMERE SYNDROME, POT1-RELATED; POT1 Tumor Predisposition. Identifiers: Orphanet 618, MedGen C4014476, MONDO:0014368, OMIM 615848.

Submission:

Labcorp Genetics (formerly Invitae), Labcorp
Classification: Uncertain significance for Tumor predisposition syndrome 3. Last evaluated: 2024-06-12. Review status: criteria provided, single submitter. Criteria: Invitae Variant Classification Sherloc (09022015). Collection method: clinical testing. Allele origin: germline.
Comment: This sequence change replaces glycine, which is neutral and non-polar, with aspartic acid, which is acidic and polar, at codon 272 of the POT1 protein (p.Gly272Asp). This variant is not present in population databases (gnomAD no frequency). This variant has not been reported in the literature in individuals affected with POT1-related conditions. Advanced modeling of protein sequence and biophysical properties (such as structural, functional, and spatial information, amino acid conservation, physicochemical variation, residue mobility, and thermodynamic stability) performed at Invitae indicates that this missense variant is not expected to disrupt POT1 protein function with a negative predictive value of 80%. In summary, the available evidence is currently insufficient to determine the role of this variant in disease. Therefore, it has been classified as a Variant of Uncertain Significance.